The following is an entry in ClinVar:

ClinVar aggregate classification (germline): Pathogenic (1 of 4 stars; one submission).

Conditions:
Severe X-linked myotubular myopathy (CNMX). Also called: MYOTUBULAR MYOPATHY 1; X-linked centronuclear myopathy; Myotubular myopathy, X-linked. Identifiers: Orphanet 596, MedGen C0410203, MONDO:0010683, OMIM 310400.

Submission:

Labcorp Genetics (formerly Invitae), Labcorp
Classification: Pathogenic for Severe X-linked myotubular myopathy. Last evaluated: 2024-05-06. Review status: criteria provided, single submitter. Criteria: Invitae Variant Classification Sherloc (09022015). Collection method: clinical testing. Allele origin: germline.
Comment: This sequence change creates a premature translational stop signal (p.Glu135*) in the MTM1 gene. It is expected to result in an absent or disrupted protein product. Loss-of-function variants in MTM1 are known to be pathogenic (PMID: 9305655, 10063835). This variant is not present in population databases (gnomAD no frequency). This variant has not been reported in the literature in individuals affected with MTM1-related conditions. For these reasons, this variant has been classified as Pathogenic.

Literature cited by the submitters: PubMed 9305655; PubMed 10063835.

NM_000252.3(MTM1):c.403G>T (p.Glu135Ter)

Gene: MTM1 (myotubularin 1; plus strand). Cytogenetic location: Xq28.
Variant type: single nucleotide variant.
Coding change: c.403G>T on transcript NM_000252.3 (MANE Select); coding-DNA position 403, G replaced by T.
Protein change: p.Glu135Ter; replaces glutamic acid 135 with a stop codon.
Molecular consequence: nonsense.
Genome position (GRCh38, 1-based): chrX:150,619,098, G>T. VCF-style: chrX-150619098-G-T. GRCh37 (hg19) VCF-style: chrX-149787571-G-T.
Other names: c.403G>T, p.Glu135Ter (NM_001376906.1, NM_001376908.1); c.292G>T, p.Glu98Ter (NM_001376907.1); short protein forms E135*, E98*.
Identifiers: ClinVar variation 3652415 (VCV003652415.2).